The following is an entry in ClinVar:

NM_018344.6(SLC29A3):c.1118G>A (p.Gly373Glu)

Gene: SLC29A3 (solute carrier family 29 member 3; plus strand). Cytogenetic location: 10q22.1.
Variant type: single nucleotide variant.
Coding change: c.1118G>A on transcript NM_018344.6 (MANE Select); coding-DNA position 1118, G replaced by A.
Protein change: p.Gly373Glu; replaces glycine 373 with glutamic acid.
Molecular consequence: missense variant. On other transcripts: 3 prime UTR variant (1), non-coding transcript variant (2).
Genome position (GRCh38, 1-based): chr10:71,362,298, G>A. VCF-style: chr10-71362298-G-A. GRCh37 (hg19) VCF-style: chr10-73122055-G-A.
Other names: c.*347G>A (NM_001174098.2); c.884G>A, p.Gly295Glu (NM_001363518.2); short protein forms G373E, G295E.
Identifiers: ClinVar variation 2132437 (VCV002132437.4), dbSNP rs2492505941, ClinGen allele CA377116738.

ClinVar aggregate classification (germline): Uncertain significance (1 of 4 stars; one submission).

Conditions:
H syndrome. Also called: Histiocytosis with joint contractures and sensorineural deafness; Pigmented hypertrichosis and insulin-dependent diabetes mellitus; HISTIOCYTOSIS AND LYMPHADENOPATHY WITH OR WITHOUT CUTANEOUS, CARDIAC, AND/OR ENDOCRINE FEATURES, JOINT CONTRACTURES, AND/OR DEAFNESS; HYPERPIGMENTATION, CUTANEOUS, WITH HYPERTRICHOSIS, HEPATOSPLENOMEGALY, HEART ANOMALIES, AND HYPOGONADISM WITH OR WITHOUT HEARING LOSS; PIGMENTED HYPERTRICHOSIS WITH INSULIN-DEPENDENT DIABETES MELLITUS; ROSAI-DORFMAN DISEASE, FAMILIAL. Identifiers: Orphanet 168569, MedGen C1864445, MONDO:0011273, OMIM 602782.

Submission:

Labcorp Genetics (formerly Invitae), Labcorp
Classification: Uncertain significance for H syndrome. Last evaluated: 2022-05-01. Review status: criteria provided, single submitter. Criteria: Invitae Variant Classification Sherloc (09022015). Collection method: clinical testing. Allele origin: germline.
Comment: This sequence change replaces glycine, which is neutral and non-polar, with glutamic acid, which is acidic and polar, at codon 373 of the SLC29A3 protein (p.Gly373Glu). This variant is not present in population databases (gnomAD no frequency). In summary, the available evidence is currently insufficient to determine the role of this variant in disease. Therefore, it has been classified as a Variant of Uncertain Significance. Algorithms developed to predict the effect of missense changes on protein structure and function are either unavailable or do not agree on the potential impact of this missense change (SIFT: "Tolerated"; PolyPhen-2: "Probably Damaging"; Align-GVGD: "Class C0"). This variant has not been reported in the literature in individuals affected with SLC29A3-related conditions.